The following is an entry in ClinVar:

ClinVar aggregate classification (germline): Pathogenic. Review status: reviewed by expert panel (3 of 4 stars). 3 submissions from 3 submitters: Pathogenic (1). 2 of the submissions do not count toward it. Last evaluated 2016-10-18.

Conditions:
Hereditary cancer-predisposing syndrome. Also called: Neoplastic Syndromes, Hereditary; Tumor predisposition; Hereditary neoplastic syndrome; Hereditary Cancer Syndrome. Identifiers: Orphanet 140162, MedGen C0027672, MeSH D009386, MONDO:0015356.
Breast-ovarian cancer, familial, susceptibility to, 2 (BROVCA2). Also called: BRCA2 Hereditary Breast and Ovarian Cancer. Identifiers: Orphanet 145, MedGen C2675520, MONDO:0012933, OMIM 612555. Disease mechanism: loss of function.

Submissions (3):

Evidence-based Network for the Interpretation of Germline Mutant Alleles (ENIGMA)
Classification: Pathogenic for Breast-ovarian cancer, familial, susceptibility to, 2. Last evaluated: 2016-10-18. Review status: reviewed by expert panel. Criteria: ENIGMA BRCA1/2 Classification Criteria (2015). Collection method: curation. Allele origin: germline.
Comment: Variant allele predicted to encode a truncated non-functional protein.

Ambry Genetics
Classification: Pathogenic for Hereditary cancer-predisposing syndrome. Last evaluated: 2023-11-30. Review status: criteria provided, single submitter. Criteria: Ambry Variant Classification Scheme 2023. Collection method: clinical testing. Allele origin: germline. Not counted in ClinVar's aggregate classification.
Comment: The c.5207_5208delAA pathogenic mutation, located in coding exon 10 of the BRCA2 gene, results from a deletion of two nucleotides at nucleotide positions 5207 to 5208, causing a translational frameshift with a predicted alternate stop codon (p.Q1736Rfs*6). This mutation was identified in one family from a series of Japanese high-risk breast/ovarian cancer kindreds and in a large, worldwide study of BRCA1/2 mutation positive families (Sugano Ket al, Cancer Sci. 2008 Oct; 99(10):1967-76; Rebbeck TR et al. Hum. Mutat., 2018 05;39:593-620). In addition to the clinical data presented in the literature, this alteration is expected to result in loss of function by premature protein truncation or nonsense-mediated mRNA decay. As such, this alteration is interpreted as a disease-causing mutation.

Consortium of Investigators of Modifiers of BRCA1/2 (CIMBA), c/o University of Cambridge
Classification: Pathogenic for Breast-ovarian cancer, familial, susceptibility to, 2. Last evaluated: 2015-10-02. Review status: criteria provided, single submitter. Criteria: CIMBA Mutation Classification guidelines May 2016. Collection method: clinical testing. Allele origin: germline. Not counted in ClinVar's aggregate classification.

Literature cited by the submitters: PubMed 19016756 (cited by Ambry Genetics); PubMed 29446198 (cited by Ambry Genetics).

NM_000059.4(BRCA2):c.5207_5208del (p.Gln1736fs)

Gene: BRCA2 (BRCA2 DNA repair associated; plus strand). Cytogenetic location: 13q13.1.
Variant type: Deletion.
Coding change: c.5207_5208del on transcript NM_000059.4 (MANE Select); coding-DNA positions 5207 to 5208, 2 bases deleted (AA; older notation c.5207_5208delAA).
Protein change: p.Gln1736fs; shifts the reading frame from glutamine 1736.
Molecular consequence: frameshift variant.
Genome position (GRCh38, 1-based): chr13:32,339,562-32,339,563, AA deleted. VCF-style (leftmost placement, unchanged base first): chr13-32339561-CAA-C. GRCh37 (hg19) VCF-style: chr13-32913698-CAA-C.
Other names: 5435_5436delAA; c.5207_5208delAA (NM_000059.3).
Identifiers: ClinVar variation 51816 (VCV000051816.11), dbSNP rs397507773, ClinGen allele CA021686.
Genomic context (GRCh38, chr13:32,339,561, plus strand): 5'-TATGAAAATAATTCAAACAGTACTATAGCTGAAAATGACAAAAATCATCTCTCCGAAAAA[CAA>C]GATACTTATTTAAGTAACAGTAGCATGTCTAACAGCTATTCCTACCATTCTGATGAGGTA-3'